The following is an entry in ClinVar:

ClinVar aggregate classification (germline): Benign. Review status: criteria provided, multiple submitters, no conflicts (2 of 4 stars). 2 submissions from 2 submitters: Benign (2). Last evaluated 2018-06-16.

Allele frequency attached by ClinVar (database versions not stated): TOPMed 0.54861; gnomAD 0.55661 and 0.56372; gnomAD exomes 0.57376; 1000 Genomes Project 0.46406; 1000 Genomes Project 30x 0.46752.
gnomAD v4.1: 826,528 of 1,446,262 alleles (57%); highest among the groups gnomAD compares: Non-Finnish European, 59%; 239,007 homozygotes.

Submissions (2):

GeneDx
Classification: Benign. Last evaluated: 2018-06-16. Review status: criteria provided, single submitter. Criteria: GeneDx Variant Classification (06012015). Collection method: clinical testing. Allele origin: germline. Affected: yes.
Comment: This variant is considered likely benign or benign based on one or more of the following criteria: it is a conservative change, it occurs at a poorly conserved position in the protein, it is predicted to be benign by multiple in silico algorithms, and/or has population frequency not consistent with disease.

Breakthrough Genomics
Classification: Benign. Review status: criteria provided, single submitter. Criteria: ACMG Guidelines, 2015. Collection method: not provided. Allele origin: germline. Inheritance: Autosomal recessive inheritance. Affected: yes.

NM_016097.5(IER3IP1):c.91+56T>G

Gene: IER3IP1 (immediate early response 3 interacting protein 1; minus strand). Cytogenetic location: 18q21.1.
Variant type: single nucleotide variant.
Coding change: c.91+56T>G on transcript NM_016097.5 (MANE Select); 56 bases into the intron after coding-DNA position 91, T replaced by G.
Molecular consequence: intron variant.
Genome position (GRCh38, 1-based): chr18:47,176,131, A>C on the plus strand (T>G on the coding strand, the complement: IER3IP1 is on the minus strand). VCF-style: chr18-47176131-A-C. GRCh37 (hg19) VCF-style: chr18-44702502-A-C.
Identifiers: ClinVar variation 675460 (VCV000675460.2), dbSNP rs12968552, ClinGen allele CA14516403.